The following is an entry in ClinVar:

ClinVar aggregate classification (germline): Uncertain significance (1 of 4 stars; one submission).

Submission:

CeGaT Center for Human Genetics Tuebingen
Classification: Uncertain significance. Last evaluated: 2026-03-01. Review status: criteria provided, single submitter. Criteria: CeGaT Center For Human Genetics Tuebingen Variant Classification Criteria Version 2. Collection method: clinical testing. Allele origin: germline. Affected: yes. Observed: 1 variant allele.
Comment: ACTA1: PM2, PP2, PP3

NM_001100.4(ACTA1):c.1019C>G (p.Ser340Trp)

Gene: ACTA1 (actin alpha 1, skeletal muscle; minus strand). Cytogenetic location: 1q42.13.
Variant type: single nucleotide variant.
Coding change: c.1019C>G on transcript NM_001100.4 (MANE Select); coding-DNA position 1019, C replaced by G.
Protein change: p.Ser340Trp; replaces serine 340 with tryptophan.
Molecular consequence: missense variant.
Genome position (GRCh38, 1-based): chr1:229,431,614, G>C on the plus strand (C>G on the coding strand, the complement: ACTA1 is on the minus strand). VCF-style: chr1-229431614-G-C. GRCh37 (hg19) VCF-style: chr1-229567361-G-C.
Other names: short protein forms S340W.
Identifiers: ClinVar variation 4823827 (VCV004823827.4).
Genomic context (GRCh38, chr1:229,431,614, plus strand): 5'-GTGATCCACATCTGCTGGAAGGTGGACAGCGAGGCCAGGATGGAGCCGCCGATCCACACC[G>C]AGTATTTGCGCTCCGGCGGGGCGATGATCTGCAAGACAGCGCGTGAGGTGGGGAGACCTC-3'
Protein context (NP_001091.1, residues 330-350): KIIAPPERKY[Ser340Trp]VWIGGSILAS